The following is an entry in ClinVar:

ClinVar aggregate classification (germline): Uncertain significance (1 of 4 stars; one submission).

Submission:

Labcorp Genetics (formerly Invitae), Labcorp
Classification: Uncertain significance. Last evaluated: 2025-03-05. Review status: criteria provided, single submitter. Criteria: Invitae Variant Classification Sherloc (09022015). Collection method: clinical testing. Allele origin: germline.
Comment: This sequence change replaces threonine, which is neutral and polar, with alanine, which is neutral and non-polar, at codon 643 of the POLR1A protein (p.Thr643Ala). This variant is present in population databases (no rsID available, gnomAD 0.004%). This variant has not been reported in the literature in individuals affected with POLR1A-related conditions. Invitae Evidence Modeling of protein sequence and biophysical properties (such as structural, functional, and spatial information, amino acid conservation, physicochemical variation, residue mobility, and thermodynamic stability) indicates that this missense variant is not expected to disrupt POLR1A protein function with a negative predictive value of 80%. In summary, the available evidence is currently insufficient to determine the role of this variant in disease. Therefore, it has been classified as a Variant of Uncertain Significance.

NM_015425.6(POLR1A):c.1927A>G (p.Thr643Ala)

Gene: POLR1A (RNA polymerase I subunit A; minus strand). Cytogenetic location: 2p11.2.
Variant type: single nucleotide variant.
Coding change: c.1927A>G on transcript NM_015425.6 (MANE Select); coding-DNA position 1927, A replaced by G.
Protein change: p.Thr643Ala; replaces threonine 643 with alanine.
Molecular consequence: missense variant.
Genome position (GRCh38, 1-based): chr2:86,065,405, T>C on the plus strand (A>G on the coding strand, the complement: POLR1A is on the minus strand). VCF-style: chr2-86065405-T-C. GRCh37 (hg19) VCF-style: chr2-86292528-T-C.
Other names: short protein forms T643A.
Identifiers: ClinVar variation 4740666 (VCV004740666.1).
Genomic context (GRCh38, chr2:86,065,405, plus strand): 5'-CCGTGAGTCCTCGGTACACCAGCTCCATATAGTGCTCCCGGGTGAAAAAGCAACCCCGAG[T>C]AGTCATGCTTGCCCCTGAAACCATGTGATCCTGGATCAGTCCCGCCAATGGTTGGCCATC-3'
Protein context (NP_056240.2, residues 633-653): DHMVSGASMT[Thr643Ala]RGCFFTREHY